The following is an entry in ClinVar:

NM_006231.4(POLE):c.3838C>T (p.Gln1280Ter)

Gene: POLE (DNA polymerase epsilon, catalytic subunit; minus strand). Cytogenetic location: 12q24.33.
Variant type: single nucleotide variant.
Coding change: c.3838C>T on transcript NM_006231.4 (MANE Select); coding-DNA position 3838, C replaced by T.
Protein change: p.Gln1280Ter; replaces glutamine 1280 with a stop codon.
Molecular consequence: nonsense.
Genome position (GRCh38, 1-based): chr12:132,649,473, G>A on the plus strand (C>T on the coding strand, the complement: POLE is on the minus strand). VCF-style: chr12-132649473-G-A. GRCh37 (hg19) VCF-style: chr12-133226059-G-A.
Other names: short protein forms Q1280*.
Identifiers: ClinVar variation 4862252 (VCV004862252.1).

ClinVar aggregate classification (germline): Uncertain significance (1 of 4 stars; one submission).

Conditions:
Hereditary cancer-predisposing syndrome. Also called: Neoplastic Syndromes, Hereditary; Tumor predisposition; Hereditary Cancer Syndrome; Hereditary neoplastic syndrome. Identifiers: Orphanet 140162, MedGen C0027672, MeSH D009386, MONDO:0015356.

Submission:

Ambry Genetics
Classification: Uncertain significance for Hereditary cancer-predisposing syndrome. Last evaluated: 2026-03-25. Review status: criteria provided, single submitter. Criteria: Ambry Variant Classification Scheme 2023. Collection method: clinical testing. Allele origin: germline.
Comment: The p.Q1280* variant (also known as c.3838C>T), located in coding exon 31 of the POLE gene, results from a C to T substitution at nucleotide position 3838. This changes the amino acid from a glutamine to a stop codon within coding exon 31. This alteration is expected to result in loss of function by premature protein truncation or nonsense-mediated mRNA decay. Although biallelic loss of function of POLE has been associated with autosomal recessive POLE deficiency, haploinsufficiency of POLE has not been established as a mechanism of disease for POLE-related polymerase proofreading-associated polyposis (PPAP) and POLE-related CMMRD-like syndrome. Based on the supporting evidence, this variant is expected to be causative of POLE deficiency when present along with a second pathogenic variant on the other allele; however, its clinical significance for PPAP and POLE-related CMMRD-like syndrome is unclear.